The following is an entry in ClinVar:

NM_001071.4(TYMS):c.486_487del (p.Arg163fs)

Genes: ENOSF1 (enolase superfamily member 1; minus strand), TYMS (thymidylate synthetase; plus strand). Cytogenetic location: 18p11.32.
Variant type: Deletion.
Coding change: c.486_487del on transcript NM_001071.4 (MANE Select); coding-DNA positions 486 to 487, 2 bases deleted (AA; older notation c.486_487delAA).
Protein change: p.Arg163fs; shifts the reading frame from arginine 163.
Molecular consequence: frameshift variant. On other transcripts: intron variant (1).
Genome position (GRCh38, 1-based): chr18:669,103-669,104, AA deleted; deleting any 2 consecutive bases within chr18:669,102-669,104 gives the same sequence; the c. name uses the placement nearest the transcript's 3' end. VCF-style (leftmost placement, unchanged base first): chr18-669101-CAA-C. GRCh37 (hg19) VCF-style: chr18-669101-CAA-C.
Other names: c.486_487delAA (NM_001071.4); c.237_238del, p.Arg80fs (NM_001354868.2); c.455-1589_455-1588del (NM_001354867.2); short protein forms R163fs, R80fs.
Identifiers: ClinVar variation 1693537 (VCV001693537.3), dbSNP rs2144335544, ClinGen allele CA2580095896.
Genomic context (GRCh38, chr18:669,101, plus strand): 5'-TACCTGTCCTCTCTTTTTGACAATTCTACAGATTATTCAGGACAGGGAGTTGACCAACTG[CAA>C]AGAGTGATTGACACCATCAAAACCAACCCTGACGACAGAAGAATCATCATGTGCGCTTGG-3'

ClinVar aggregate classification (germline): Pathogenic. Review status: criteria provided, single submitter (1 of 4 stars). 2 submissions from 2 submitters: Pathogenic (1). 1 of the submissions does not count toward it. Last evaluated 2022-06-22.

Conditions:
Dyskeratosis congenita, digenic (DKCD). Identifiers: MedGen C5774217, MONDO:0031057, OMIM 620040.
Dyskeratosis congenita. Identifiers: Orphanet 1775, MedGen C0265965, MONDO:0015780.

Submissions (2):

Bone Marrow Failure laboratory, Queen Mary University London
Classification: Pathogenic for Dyskeratosis congenita. Last evaluated: 2022-06-22. Review status: criteria provided, single submitter. Criteria: ACMG Guidelines, 2015. Collection method: research. Allele origin: germline. Inheritance: Oligogenic inheritance. Affected: yes. Observed: 2 variant alleles.
Comment: This heterozygous frameshift variant of TYMS was identified in dyskeratosis congenita. The following ACMG/AMP criteria were used: PVS1, PS4_supporting, PM2_supporting, PP3

OMIM
Classification: Pathogenic for DYSKERATOSIS CONGENITA, DIGENIC. Last evaluated: 2022-09-22. Review status: no assertion criteria provided. Collection method: literature only. Allele origin: germline. Not counted in ClinVar's aggregate classification.

Literature cited by the submitters: PubMed 35931051 (cited by OMIM).